The following is an entry in ClinVar:

ClinVar aggregate classification (germline): Uncertain significance (1 of 4 stars; one submission).

Conditions:
Epileptic encephalopathy. Identifiers: MedGen C0543888, HP:0200134.

Allele frequency attached by ClinVar (database versions not stated): TOPMed below 0.00001; gnomAD 0.00001; ExAC 0.00003.
gnomAD v4.1: 28 of 1,591,756 alleles (0.0018%); highest among the groups gnomAD compares: Non-Finnish European, 0.0019%; no homozygotes.

Submission:

Labcorp Genetics (formerly Invitae), Labcorp
Classification: Uncertain significance for Epileptic encephalopathy. Last evaluated: 2020-03-04. Review status: criteria provided, single submitter. Criteria: Invitae Variant Classification Sherloc (09022015). Collection method: clinical testing. Allele origin: germline.
Comment: In summary, the available evidence is currently insufficient to determine the role of this variant in disease. Therefore, it has been classified as a Variant of Uncertain Significance. Algorithms developed to predict the effect of missense changes on protein structure and function are either unavailable or do not agree on the potential impact of this missense change (SIFT: "Deleterious"; PolyPhen-2: "Benign"; Align-GVGD: "Class C35"). This variant has not been reported in the literature in individuals with RYR3-related conditions. ClinVar contains an entry for this variant (Variation ID: 566062). This variant is present in population databases (rs772574630, ExAC 0.005%). This sequence change replaces glutamic acid with aspartic acid at codon 1511 of the RYR3 protein (p.Glu1511Asp). The glutamic acid residue is highly conserved and there is a small physicochemical difference between glutamic acid and aspartic acid.

NM_001036.6(RYR3):c.4533G>C (p.Glu1511Asp)

Gene: RYR3 (ryanodine receptor 3; plus strand). Cytogenetic location: 15q14.
Variant type: single nucleotide variant.
Coding change: c.4533G>C on transcript NM_001036.6 (MANE Select); coding-DNA position 4533, G replaced by C.
Protein change: p.Glu1511Asp; replaces glutamic acid 1511 with aspartic acid.
Molecular consequence: missense variant.
Genome position (GRCh38, 1-based): chr15:33,660,334, G>C. VCF-style: chr15-33660334-G-C. GRCh37 (hg19) VCF-style: chr15-33952535-G-C.
Other names: c.4533G>C, p.Glu1511Asp (NM_001243996.4); short protein forms E1511D.
Identifiers: ClinVar variation 566062 (VCV000566062.8), dbSNP rs772574630, ClinGen allele CA7459031.
Genomic context (GRCh38, chr15:33,660,334, plus strand): 5'-CGTCCAAACCATCCAGCCCGTGCTCTGGAGCCGCATGCCCAACAGCTTCCTGAAGGTGGA[G>C]ACCGAGCGTGTGAGCGAGCGCCACGGCTGGGTGGTGCAGTGCCTGGAGCCCCTGCAGATG-3'
Protein context (NP_001027.3, residues 1501-1521): SRMPNSFLKV[Glu1511Asp]TERVSERHGW